The following is an entry in ClinVar:

NM_000051.4(ATM):c.2839-15dup

Gene: ATM (ATM serine/threonine kinase; plus strand). Cytogenetic location: 11q22.3.
Variant type: Duplication.
Coding change: c.2839-15dup on transcript NM_000051.4 (MANE Select); 15 bases into the intron before coding-DNA position 2839, one base duplicated (C; older notation c.2839-15dupC).
Molecular consequence: intron variant.
Genome position (GRCh38, 1-based): chr11:108,271,049, C duplicated; the last of 3 consecutive C bases (chr11:108,271,047-108,271,049); duplicating any one gives the same sequence. VCF-style (leftmost placement, unchanged base first): chr11-108271046-T-TC. GRCh37 (hg19) VCF-style: chr11-108141773-T-TC.
Other names: c.2839-15dup (NM_001351834.2).
Identifiers: ClinVar variation 3254034 (VCV003254034.1), dbSNP rs2497675289.

ClinVar aggregate classification (germline): Likely benign (1 of 4 stars; one submission).

Conditions:
Familial cancer of breast. Also called: BREAST CANCER, FAMILIAL; Hereditary breast cancer; hereditary breast carcinoma. Identifiers: Orphanet 227535, MedGen C0346153, MONDO:0016419, OMIM 114480. Disease mechanism: loss of function.

Submission:

Myriad Genetics, Inc.
Classification: Likely benign for Familial cancer of breast. Last evaluated: 2024-05-10. Review status: criteria provided, single submitter. Criteria: Myriad Autosomal Dominant, Autosomal Recessive and X-Linked Classification Criteria (2023). Collection method: clinical testing. Allele origin: unknown.
Comment: This variant is considered likely benign. This variant is intronic and is not expected to impact mRNA splicing.